The following is an entry in ClinVar:

NM_001330078.2(NRXN1):c.499C>G (p.Leu167Val)

Gene: NRXN1 (neurexin 1; minus strand). Cytogenetic location: 2p16.3.
Variant type: single nucleotide variant.
Coding change: c.499C>G on transcript NM_001330078.2 (MANE Select); coding-DNA position 499, C replaced by G.
Protein change: p.Leu167Val; replaces leucine 167 with valine.
Molecular consequence: missense variant.
Genome position (GRCh38, 1-based): chr2:51,027,775, G>C on the plus strand (C>G on the coding strand, the complement: NRXN1 is on the minus strand). VCF-style: chr2-51027775-G-C. GRCh37 (hg19) VCF-style: chr2-51254913-G-C.
Other names: c.499C>G, p.Leu167Val (NM_001135659.3, NM_001330077.2, NM_001330079.2 and 15 more transcripts); short protein forms L167V.
Identifiers: ClinVar variation 2809943 (VCV002809943.3), dbSNP rs753449110, ClinGen allele CA346823879.

ClinVar aggregate classification (germline): Uncertain significance (1 of 4 stars; one submission).

Conditions:
Pitt-Hopkins-like syndrome 2 (PTHSL2). Identifiers: Orphanet 221150, Orphanet 600663, MedGen C3280479, MONDO:0013690, OMIM 614325.

gnomAD v4.1: 1 of 1,612,468 alleles (0.000062%); highest among the groups gnomAD compares: Non-Finnish European, 0.000085%; no homozygotes.

Submission:

Labcorp Genetics (formerly Invitae), Labcorp
Classification: Uncertain significance for Pitt-Hopkins-like syndrome 2. Last evaluated: 2024-09-09. Review status: criteria provided, single submitter. Criteria: Invitae Variant Classification Sherloc (09022015). Collection method: clinical testing. Allele origin: germline.
Comment: This sequence change replaces leucine, which is neutral and non-polar, with valine, which is neutral and non-polar, at codon 167 of the NRXN1 protein (p.Leu167Val). This variant is present in population databases (no rsID available, gnomAD 0.0009%). This variant has not been reported in the literature in individuals affected with NRXN1-related conditions. An algorithm developed to predict the effect of missense changes on protein structure and function (PolyPhen-2) suggests that this variant is likely to be tolerated. In summary, the available evidence is currently insufficient to determine the role of this variant in disease. Therefore, it has been classified as a Variant of Uncertain Significance.